The following is an entry in ClinVar:

ClinVar aggregate classification (germline): Benign/Likely benign. Review status: criteria provided, multiple submitters, no conflicts (2 of 4 stars). 6 submissions from 6 submitters: Benign (4); Likely benign (2). Last evaluated 2026-01-23.

Conditions:
Immunodeficiency due to MASP-2 deficiency. Also called: MASP2 deficiency; LECTIN COMPLEMENT ACTIVATION PATHWAY, DEFECT IN, 2. Identifiers: Orphanet 331187, MedGen C3151085, MONDO:0013423, OMIM 613791.

Allele frequency attached by ClinVar (database versions not stated): gnomAD exomes 0.00051 and 0.00147; ExAC 0.00198; gnomAD 0.00559 and 0.00581; TOPMed 0.00594; ESP Exome Variant Server 0.00707; 1000 Genomes Project 30x 0.00874; 1000 Genomes Project 0.00879.
gnomAD v4.1: 1,640 of 1,612,314 alleles (0.1%); highest among the groups gnomAD compares: African/African-American, 1.9%; 15 homozygotes.

Submissions (6):

Women's Health and Genetics/Laboratory Corporation of America, LabCorp
Classification: Likely benign. Last evaluated: 2026-01-23. Review status: criteria provided, single submitter. Criteria: LabCorp Variant Classification Summary - May 2015. Collection method: clinical testing. Allele origin: germline.

Mayo Clinic Laboratories, Mayo Clinic
Classification: Benign. Last evaluated: 2025-10-08. Review status: criteria provided, single submitter. Criteria: ACMG Guidelines, 2015. Collection method: clinical testing. Allele origin: germline. Observed: 1 variant allele.
Comment: BS1, BS2, PP3_moderate

Blueprint Genetics
Classification: Likely benign. Last evaluated: 2024-10-24. Review status: criteria provided, single submitter. Criteria: ACMG Guidelines, 2015. Collection method: clinical testing. Allele origin: germline.

Labcorp Genetics (formerly Invitae), Labcorp
Classification: Benign. Last evaluated: 2018-06-26. Review status: criteria provided, single submitter. Criteria: Invitae Variant Classification Sherloc (09022015). Collection method: clinical testing. Allele origin: germline.

Illumina Laboratory Services, Illumina
Classification: Benign for Immunodeficiency due to MASP-2 deficiency. Last evaluated: 2018-01-13. Review status: criteria provided, single submitter. Criteria: ICSL Variant Classification Criteria 13 December 2019. Collection method: clinical testing. Allele origin: germline.
Comment: This variant was observed in the ICSL laboratory as part of a predisposition screen in an ostensibly healthy population. It had not been previously curated by ICSL or reported in the Human Gene Mutation Database (HGMD: prior to June 1st, 2018), and was therefore a candidate for classification through an automated scoring system. Utilizing variant allele frequency, disease prevalence and penetrance estimates, and inheritance mode, an automated score was calculated to assess if this variant is too frequent to cause the disease. Based on the score and internal cut-off values, a variant classified as benign is not then subjected to further curation. The score for this variant resulted in a classification of benign for this disease.

Breakthrough Genomics
Classification: Benign. Review status: criteria provided, single submitter. Criteria: ACMG Guidelines, 2015. Collection method: not provided. Allele origin: germline. Inheritance: Autosomal recessive inheritance. Affected: yes.

NM_006610.4(MASP2):c.470A>G (p.His157Arg)

Gene: MASP2 (MBL associated serine protease 2; minus strand). Cytogenetic location: 1p36.22.
Variant type: single nucleotide variant.
Coding change: c.470A>G on transcript NM_006610.4 (MANE Select); coding-DNA position 470, A replaced by G.
Protein change: p.His157Arg; replaces histidine 157 with arginine.
Molecular consequence: missense variant.
Genome position (GRCh38, 1-based): chr1:11,045,482, T>C on the plus strand (A>G on the coding strand, the complement: MASP2 is on the minus strand). VCF-style: chr1-11045482-T-C. GRCh37 (hg19) VCF-style: chr1-11105539-T-C.
Other names: p.His157Arg; c.470A>G, p.His157Arg (NM_139208.3); short protein forms H157R.
Identifiers: ClinVar variation 291801 (VCV000291801.12), dbSNP rs144247267, ClinGen allele CA587098.
Genomic context (GRCh38, chr1:11,045,482, plus strand): 5'-TTGTTACGGTGCAGGACGTAGCCTGCGCGGCAGGAGCAGTAGAAACCGCCCAGGTGGTTG[T>C]GGCAGTGGTGGTCGCAGGTGGGCGCCTCTCCCGGGGCCACCTGGCACTCGTCAATGTCTG-3'
Protein context (NP_006601.2, residues 147-167): GEAPTCDHHC[His157Arg]NHLGGFYCSC